The following is an entry in ClinVar:

NM_001080421.3(UNC13A):c.803A>G (p.Glu268Gly)

Gene: UNC13A (unc-13 homolog A; minus strand). Cytogenetic location: 19p13.11.
Variant type: single nucleotide variant.
Coding change: c.803A>G on transcript NM_001080421.3 (MANE Select); coding-DNA position 803, A replaced by G.
Protein change: p.Glu268Gly; replaces glutamic acid 268 with glycine.
Molecular consequence: missense variant.
Genome position (GRCh38, 1-based): chr19:17,656,363, T>C on the plus strand (A>G on the coding strand, the complement: UNC13A is on the minus strand). VCF-style: chr19-17656363-T-C. GRCh37 (hg19) VCF-style: chr19-17767172-T-C.
Other names: c.803A>G, p.Glu268Gly (NM_001387021.1, NM_001387022.1, NM_001387023.1); short protein forms E268G.
Identifiers: ClinVar variation 4528020 (VCV004528020.1).

ClinVar aggregate classification (germline): Uncertain significance (1 of 4 stars; one submission).

Submission:

GeneDx
Classification: Uncertain significance. Last evaluated: 2025-05-06. Review status: criteria provided, single submitter. Criteria: GeneDx Variant Classification Process June 2021. Collection method: clinical testing. Allele origin: germline. Affected: yes.
Comment: Not observed at significant frequency in large population cohorts (gnomAD); In silico analysis supports that this missense variant has a deleterious effect on protein structure/function; Has not been previously published as pathogenic or benign to our knowledge